The following is an entry in ClinVar:

ClinVar aggregate classification (germline): Uncertain significance. Review status: reviewed by expert panel (3 of 4 stars). 3 submissions from 3 submitters: Uncertain significance (1). 2 of the submissions do not count toward it. Last evaluated 2025-12-19.

Conditions:
Immunodeficiency 14 (IMD14A). Also called: IMMUNODEFICIENCY 14A WITH LYMPHOPROLIFERATION, AUTOSOMAL DOMINANT; Activated PI3K Delta Syndrome Type 1 (APDS1); p110-DELTA-ACTIVATING MUTATION CAUSING SENESCENT T CELLS, LYMPHADENOPATHY, AND IMMUNODEFICIENCY; ACTIVATED PI3K-DELTA SYNDROME 1. Identifiers: Orphanet 397596, Orphanet 693661, MedGen C5907821, MONDO:0014222, OMIM 615513.

Allele frequency attached by ClinVar (database versions not stated): ExAC 0.00001; ESP Exome Variant Server 0.00008.

Submissions (3):

ClinGen Primary Immune Regulatory Disorders Variant Curation Expert Panel, ClinGen
Classification: Uncertain significance for Immunodeficiency 14. Last evaluated: 2025-12-19. Review status: reviewed by expert panel. Criteria: ClinGen AbDef ACMG Specifications PIK3CD V1.0.0. Collection method: curation. Allele origin: germline. Inheritance: Autosomal dominant inheritance.
Comment: NM_005026.5(PIK3CD):c.1013G>A (p.Arg338Gln) is a missense variant causing replacement of arginine by glutamine at amino acid 338. This variant is absent from gnomAD v4.1.0 (PM2_Supporting). This variant has been submitted to ClinVar in relation to immunodeficiency 14 (SCV003323693.3) and as an observation in an affected proband with an unspecified condition (SCV003936787.1). A poster abstract entitled "Inborn Error of Immunity Presenting with Salmonella Pericarditis and Pericardial Effusion" reports an affected patient with a Salmonella infection harboring the variant, but does not assert that the variant is disease-causing. The proband has a phenotype that includes an episode of fever accompanied by chest, abdominal, and left shoulder pain, cardiomegaly accompanied by large pericardial effusion, leukocytosis, neutrophilia, pericardiocentesis showing Salmonella alachua in the fluid, T cell lymphopenia (1 pt) with decreased naïve CD4+ and CD8+ T cells. Increased CD4+ and CD8+ effector memory T cells, increased CD8+ TEMRA, certain subsets of CD4+/CD8+ central memory T cells lacking CD62L, normal transitional B cells, no increase in senescent T cells, and absence of lymphoproliferation (1 total point). Genotyping by next-generation sequencing did not identify an alternative basis for disease in PIK3R1 or other loci. Together, these phenotypes are not sufficient to meet PS4_Supporting. The computational predictor REVEL gives a score of 0.254, which is below the ClinGen Antibody Deficiencies VCEP threshold of 0.644 and does not predict a damaging effect on PIK3CD function. The computational predictor CADD gives a PHRED score of 26.6, which is above the ClinGen Antibody Deficiencies VCEP threshold of 25.3 and predicts a deleterious effect on PIK3CD function. Because the two predictors do not agree on a damaging effect, PP3 is not met. In summary, this variant meets the criteria to be classified as a variant of uncertain significance for autosomal dominant immunodeficiency 14 based on the ACMG/AMP criteria applied, as specified by the ClinGen Antibody Deficiencies VCEP: PM2_Supporting. (VCEP specifications version 1.0.0).

Labcorp Genetics (formerly Invitae), Labcorp
Classification: Uncertain significance for Activated PI3K-delta syndrome. Last evaluated: 2023-02-24. Review status: criteria provided, single submitter. Criteria: Invitae Variant Classification Sherloc (09022015). Collection method: clinical testing. Allele origin: germline. Not counted in ClinVar's aggregate classification.
Comment: This sequence change replaces arginine, which is basic and polar, with glutamine, which is neutral and polar, at codon 338 of the PIK3CD protein (p.Arg338Gln). In summary, the available evidence is currently insufficient to determine the role of this variant in disease. Therefore, it has been classified as a Variant of Uncertain Significance. Advanced modeling of protein sequence and biophysical properties (such as structural, functional, and spatial information, amino acid conservation, physicochemical variation, residue mobility, and thermodynamic stability) performed at Invitae indicates that this missense variant is not expected to disrupt PIK3CD protein function. ClinVar contains an entry for this variant (Variation ID: 2106910). This variant has not been reported in the literature in individuals affected with PIK3CD-related conditions. This variant is present in population databases (rs145191685, gnomAD 0.0009%).

GeneDx
Classification: Uncertain significance. Last evaluated: 2023-01-03. Review status: criteria provided, single submitter. Criteria: GeneDx Variant Classification Process June 2021. Collection method: clinical testing. Allele origin: germline. Affected: yes. Not counted in ClinVar's aggregate classification.
Comment: Not observed at significant frequency in large population cohorts (gnomAD); In silico analysis supports that this missense variant has a deleterious effect on protein structure/function; Has not been previously published as pathogenic or benign to our knowledge

NM_005026.5(PIK3CD):c.1013G>A (p.Arg338Gln)

Gene: PIK3CD (phosphatidylinositol-4,5-bisphosphate 3-kinase catalytic subunit delta; plus strand). Cytogenetic location: 1p36.22.
Variant type: single nucleotide variant.
Coding change: c.1013G>A on transcript NM_005026.5 (MANE Select); coding-DNA position 1013, G replaced by A.
Protein change: p.Arg338Gln; replaces arginine 338 with glutamine.
Molecular consequence: missense variant.
Genome position (GRCh38, 1-based): chr1:9,717,619, G>A. VCF-style: chr1-9717619-G-A. GRCh37 (hg19) VCF-style: chr1-9777677-G-A.
Other names: NM_005026.5(PIK3CD):c.1013G>A; p.Arg338Gln; c.1013G>A, p.Arg338Gln (NM_001350234.2); c.926G>A, p.Arg309Gln (NM_001350235.1); short protein forms R309Q, R338Q.
Identifiers: ClinVar variation 2106910 (VCV002106910.5), dbSNP rs145191685, ClinGen allele CA577052.